The following is an entry in ClinVar:

ClinVar aggregate classification (germline): Conflicting classifications of pathogenicity. Review status: criteria provided, conflicting classifications (1 of 4 stars). 13 submissions from 13 submitters: Uncertain significance (1); Benign (3); Likely benign (6). 3 of the submissions do not count toward it. Last evaluated 2026-09-01.

Conditions:
Inborn genetic diseases. Identifiers: MedGen C0950123, MeSH D030342.
Hypogonadotropic hypogonadism 5 with or without anosmia (KAL5). Also called: HYPOGONADOTROPIC HYPOGONADISM 5 WITH ANOSMIA; HYPOGONADOTROPHIC HYPOGONADISM 5 WITHOUT ANOSMIA; CHD7-Related GnRH Deficiency (Kallmann Syndrome 5). Identifiers: Orphanet 478, MedGen C3552553, MONDO:0012880, OMIM 612370. Disease mechanism: loss of function.
CHARGE syndrome (CHARGE). Also called: Coloboma, heart anomaly, choanal atresia, retardation, genital and ear anomalies; CHARGE association; Hall-Hittner syndrome; CHARGE ASSOCIATION--COLOBOMA, HEART ANOMALY, CHOANAL ATRESIA, RETARDATION, GENITAL AND EAR ANOMALIES; Hittner Hirsch Kreh syndrome. Identifiers: Orphanet 138, MedGen C0265354, MONDO:0008965.

Allele frequency attached by ClinVar (database versions not stated): gnomAD exomes 0.00032 and 0.00067; ExAC 0.00099; ESP Exome Variant Server 0.00102; 1000 Genomes Project 0.00140; gnomAD 0.00150 and 0.00156; 1000 Genomes Project 30x 0.00156; TOPMed 0.00190.
gnomAD v4.1: 723 of 1,529,974 alleles (0.047%); highest among the groups gnomAD compares: African/African-American, 0.4%; 6 homozygotes.

Submissions (13):

CeGaT Center for Human Genetics Tuebingen
Classification: Likely benign. Last evaluated: 2026-09-01. Review status: criteria provided, single submitter. Criteria: CeGaT Center For Human Genetics Tuebingen Variant Classification Criteria Version 2. Collection method: clinical testing. Allele origin: germline. Affected: yes. Observed: 14 variant alleles.
Comment: CHD7: BP4, BP7, BS1

Labcorp Genetics (formerly Invitae), Labcorp
Classification: Benign for CHARGE syndrome. Last evaluated: 2026-02-03. Review status: criteria provided, single submitter. Criteria: Invitae Variant Classification Sherloc (09022015). Collection method: clinical testing. Allele origin: germline.

Blueprint Genetics
Classification: Likely benign. Last evaluated: 2024-10-28. Review status: criteria provided, single submitter. Criteria: ACMG Guidelines, 2015. Collection method: clinical testing. Allele origin: germline.

GeneDx
Classification: Benign. Last evaluated: 2020-03-18. Review status: criteria provided, single submitter. Criteria: GeneDx Variant Classification Process June 2021. Collection method: clinical testing. Allele origin: germline. Affected: yes.
Comment: This variant is associated with the following publications: (PMID: 22461308, 30733481)

Genetic Services Laboratory, University of Chicago
Classification: Benign. Last evaluated: 2018-08-24. Review status: criteria provided, single submitter. Criteria: ACMG Guidelines, 2015. Collection method: clinical testing. Allele origin: germline. Affected: no.

Illumina Laboratory Services, Illumina
Classification: Likely benign for Kallmann Syndrome 5. Last evaluated: 2018-01-13. Review status: criteria provided, single submitter. Criteria: ICSL Variant Classification Criteria 13 December 2019. Collection method: clinical testing. Allele origin: germline.
Comment: This variant was observed in the ICSL laboratory as part of a predisposition screen in an ostensibly healthy population. It had not been previously curated by ICSL or reported in the Human Gene Mutation Database (HGMD: prior to June 1st, 2018), and was therefore a candidate for classification through an automated scoring system. Utilizing variant allele frequency, disease prevalence and penetrance estimates, and inheritance mode, an automated score was calculated to assess if this variant is too frequent to cause the disease. Based on the score and internal cut-off values, a variant classified as likely benign is not then subjected to further curation. The score for this variant resulted in a classification of likely benign for this disease.

Laboratory for Molecular Medicine, Mass General Brigham Personalized Medicine
Classification: Likely benign. Last evaluated: 2017-08-23. Review status: criteria provided, single submitter. Criteria: LMM Criteria. Collection method: clinical testing. Allele origin: germline. Observed: 1 variant allele.
Comment: p.Thr689Thr in exon 3 of CHD7: This variant is not expected to have clinical significance because it does not alter an amino acid residue and is not located within the splice consensus sequence. It has been identified in 0.63% (6/948) of Latino chromosomes by the Exome Aggregation Consortium (ExAC; dbSNP rs34979623).

Eurofins Ntd Llc (ga)
Classification: Uncertain significance. Last evaluated: 2016-10-19. Review status: criteria provided, single submitter. Criteria: EGL Classification Definitions 2015. Collection method: clinical testing. Allele origin: germline. Observed: 5 variant alleles, 5 heterozygotes.

Ambry Genetics
Classification: Likely benign for Inborn genetic diseases. Last evaluated: 2016-09-06. Review status: criteria provided, single submitter. Criteria: Ambry Variant Classification Scheme 2023. Collection method: clinical testing. Allele origin: germline.

PreventionGenetics, part of Exact Sciences
Classification: Likely benign. Review status: criteria provided, single submitter. Criteria: ACMG Guidelines, 2015. Collection method: clinical testing. Allele origin: germline.

Clinical Genetics DNA and cytogenetics Diagnostics Lab, Erasmus MC, Erasmus Medical Center
Classification: Likely benign. Review status: no assertion criteria provided. Collection method: clinical testing. Allele origin: germline. Affected: yes. Study: VKGL Data-share Consensus. Not counted in ClinVar's aggregate classification.

Clinical Genetics, Academic Medical Center
Classification: Benign. Review status: no assertion criteria provided. Collection method: clinical testing. Allele origin: germline. Affected: yes. Study: VKGL Data-share Consensus. Not counted in ClinVar's aggregate classification.

Joint Genome Diagnostic Labs from Nijmegen and Maastricht, Radboudumc and MUMC+
Classification: Benign. Review status: no assertion criteria provided. Collection method: clinical testing. Allele origin: germline. Affected: yes. Study: VKGL Data-share Consensus. Not counted in ClinVar's aggregate classification.

NM_017780.4(CHD7):c.2067G>A (p.Thr689=)

Genes: CHD7 (chromodomain helicase DNA binding protein 7; plus strand), LOC126860403 (CDK7 strongly-dependent group 2 enhancer GRCh37_chr8:61693034-61694233; plus strand). Cytogenetic location: 8q12.2.
Variant type: single nucleotide variant.
Coding change: c.2067G>A on transcript NM_017780.4 (MANE Select); coding-DNA position 2067, G replaced by A.
Protein change: p.Thr689=; no amino-acid change (threonine 689 retained).
Molecular consequence: synonymous variant. On other transcripts: intron variant (1).
Genome position (GRCh38, 1-based): chr8:60,781,401, G>A. VCF-style: chr8-60781401-G-A. GRCh37 (hg19) VCF-style: chr8-61693960-G-A.
Other names: c.2067G>A (LRG_176t1); c.1716+351G>A (NM_001316690.1).
Identifiers: ClinVar variation 196478 (VCV000196478.67), dbSNP rs34979623, ClinGen allele CA243439.
Genomic context (GRCh38, chr8:60,781,401, plus strand): 5'-GACCCCGAAAGCCCCTAAGATTCCCAAAGAGCCAAAGGAAAAGAAAGCAAAAACTGCCAC[G>A]CCAAAACCCAAATCCAGCAAAAAGTCAAGGTAGGCTGTGGGCAGAAAAAACAACTGCAAA-3'
Protein context (NP_060250.2, residues 679-699): EPKEKKAKTA[Thr689=]PKPKSSKKSS